The following is an entry in ClinVar:

ClinVar aggregate classification (germline): Uncertain significance. Review status: criteria provided, multiple submitters, no conflicts (2 of 4 stars). 2 submissions from 2 submitters: Uncertain significance (2). Last evaluated 2020-04-14.

Conditions:
Intellectual disability-hypotonic facies syndrome, X-linked, 1 (MRXHF1). Also called: Smith Fineman Myers syndrome 1; X-linked intellectual disability-hypotonic face syndrome; XLMR-HYPOTONIC FACIES SYNDROME; HOLMES-GANG SYNDROME; CHUDLEY-LOWRY SYNDROME; Chudley syndrome 1. Identifiers: Orphanet 73220, Orphanet 93970, Orphanet 93971, Orphanet 93972, Orphanet 93973, Orphanet 93974, Orphanet 93975, MedGen C4759781, MONDO:0010663, OMIM 309580.

gnomAD v4.1: 2 of 1,206,588 alleles (0.00017%); highest among the groups gnomAD compares: Non-Finnish European, 0.00022%; no homozygotes.

Submissions (2):

Baylor Genetics
Classification: Uncertain significance for Intellectual disability-hypotonic facies syndrome, X-linked, 1. Last evaluated: 2020-04-14. Review status: criteria provided, single submitter. Criteria: ACMG Guidelines, 2015. Collection method: clinical testing. Allele origin: unknown. Affected: yes.
Comment: This variant was determined to be of uncertain significance according to ACMG Guidelines, 2015 [PMID:25741868].

Genetic Services Laboratory, University of Chicago
Classification: Uncertain significance. Last evaluated: 2016-03-29. Review status: criteria provided, single submitter. Criteria: ACMG Guidelines, 2015. Collection method: clinical testing. Allele origin: germline. Affected: no.

NM_000489.6(ATRX):c.1219C>G (p.Leu407Val)

Gene: ATRX (ATRX chromatin remodeler; minus strand). Cytogenetic location: Xq21.1.
Variant type: single nucleotide variant.
Coding change: c.1219C>G on transcript NM_000489.6 (MANE Select); coding-DNA position 1219, C replaced by G.
Protein change: p.Leu407Val; replaces leucine 407 with valine.
Molecular consequence: missense variant.
Genome position (GRCh38, 1-based): chrX:77,684,037, G>C on the plus strand (C>G on the coding strand, the complement: ATRX is on the minus strand). VCF-style: chrX-77684037-G-C. GRCh37 (hg19) VCF-style: chrX-76939529-G-C.
Other names: c.1105C>G, p.Leu369Val (NM_138270.5); short protein forms L407V, L369V.
Identifiers: ClinVar variation 434469 (VCV000434469.7), dbSNP rs1557142145, ClinGen allele CA413719030.